The following is an entry in ClinVar:

NM_013314.4(BLNK):c.509G>A (p.Gly170Asp)

Gene: BLNK (B cell linker; minus strand). Cytogenetic location: 10q24.1.
Variant type: single nucleotide variant.
Coding change: c.509G>A on transcript NM_013314.4 (MANE Select); coding-DNA position 509, G replaced by A.
Protein change: p.Gly170Asp; replaces glycine 170 with aspartic acid.
Molecular consequence: missense variant. On other transcripts: non-coding transcript variant (1), intron variant (1).
Genome position (GRCh38, 1-based): chr10:96,223,842, C>T on the plus strand (G>A on the coding strand, the complement: BLNK is on the minus strand). VCF-style: chr10-96223842-C-T. GRCh37 (hg19) VCF-style: chr10-97983598-C-T.
Other names: c.509G>A, p.Gly170Asp (NM_001114094.2, NM_001258440.2, NM_001258441.2); c.349+3580G>A (NM_001258442.2); short protein forms G170D.
Identifiers: ClinVar variation 1043293 (VCV001043293.8), dbSNP rs1053275132, ClinGen allele CA212525177.
Genomic context (GRCh38, chr10:96,223,842, plus strand): 5'-CCCCCTCTGTGTCCTGGGAAGCCTTTGGCACAGATTTACTTTACCTCATCCTCAAGGAGG[C>T]CTTTGGGTTTGGGTGGGACTTGAGGTTTCTGCAAAGCAGTCAGGGCCGGCAGGGTGGAGG-3'
Protein context (NP_037446.1, residues 160-180): QKPQVPPKPK[Gly170Asp]LLEDEADYVV

ClinVar aggregate classification (germline): Uncertain significance (1 of 4 stars; one submission).

Conditions:
Agammaglobulinemia 4, autosomal recessive (AGM4). Also called: B cell linker protein deficiency; AGAMMAGLOBULINEMIA, AUTOSOMAL RECESSIVE, DUE TO BLNK DEFECT. Identifiers: MedGen C3150752, MONDO:0013289, OMIM 613502.

Allele frequency attached by ClinVar (database versions not stated): TOPMed below 0.00001; gnomAD 0.00001.
gnomAD v4.1: 2 of 1,613,704 alleles (0.00012%); highest among the groups gnomAD compares: African/African-American, 0.0027%; no homozygotes.

Submission:

Labcorp Genetics (formerly Invitae), Labcorp
Classification: Uncertain significance for Agammaglobulinemia 4, autosomal recessive. Last evaluated: 2022-06-20. Review status: criteria provided, single submitter. Criteria: Invitae Variant Classification Sherloc (09022015). Collection method: clinical testing. Allele origin: germline.
Comment: In summary, the available evidence is currently insufficient to determine the role of this variant in disease. Therefore, it has been classified as a Variant of Uncertain Significance. Algorithms developed to predict the effect of missense changes on protein structure and function output the following: SIFT: "Tolerated"; PolyPhen-2: "Benign"; Align-GVGD: "Class C0". The aspartic acid amino acid residue is found in multiple mammalian species, which suggests that this missense change does not adversely affect protein function. ClinVar contains an entry for this variant (Variation ID: 1043293). This variant has not been reported in the literature in individuals affected with BLNK-related conditions. This variant is not present in population databases (gnomAD no frequency). This sequence change replaces glycine, which is neutral and non-polar, with aspartic acid, which is acidic and polar, at codon 170 of the BLNK protein (p.Gly170Asp).